The following is an entry in ClinVar:

NM_001382391.1(CSPP1):c.1684G>A (p.Ala562Thr)

Gene: CSPP1 (centrosome and spindle pole associated protein 1; plus strand). Cytogenetic location: 8q13.2.
Variant type: single nucleotide variant.
Coding change: c.1684G>A on transcript NM_001382391.1 (MANE Select); coding-DNA position 1684, G replaced by A.
Protein change: p.Ala562Thr; replaces alanine 562 with threonine.
Molecular consequence: missense variant.
Genome position (GRCh38, 1-based): chr8:67,118,808, G>A. VCF-style: chr8-67118808-G-A. GRCh37 (hg19) VCF-style: chr8-68031043-G-A.
Other names: c.787G>A, p.Ala263Thr (NM_001291339.2); c.1603G>A, p.Ala535Thr (NM_001363131.2); c.1642G>A, p.Ala548Thr (NM_001363132.2); c.1561G>A, p.Ala521Thr (NM_001363133.2); c.1750G>A, p.Ala584Thr (NM_001364869.1); c.1570G>A, p.Ala524Thr (NM_001364870.1); c.1669G>A, p.Ala557Thr (NM_024790.7); short protein forms A263T, A521T, A524T, A535T, A548T, A557T, A562T, A584T.
Identifiers: ClinVar variation 1311830 (VCV001311830.3), dbSNP rs781313362, ClinGen allele CA4770619.
Genomic context (GRCh38, chr8:67,118,808, plus strand): 5'-TCAGGAATGATGGGCGTACAGCCTGCAGCTTATGTTAGTGCTCCTGTCACCCACCAACTA[G>A]CACAACCTGTTGTGTAAGTTATTAGTTAAAAGAATAATTTTTTCCCCACTTTTATTTTGT-3'
Protein context (NP_001369320.1, residues 552-572): YVSAPVTHQL[Ala562Thr]QPVVNTVGQN

ClinVar aggregate classification (germline): Uncertain significance. Review status: criteria provided, multiple submitters, no conflicts (2 of 4 stars). 2 submissions from 2 submitters: Uncertain significance (2). Last evaluated 2022-04-04.

Conditions:
Joubert syndrome 21 (JBTS21). Identifiers: MedGen C3810212, MONDO:0014288, OMIM 615636.

Allele frequency attached by ClinVar (database versions not stated): gnomAD exomes 0.00001 and 0.00002; ExAC 0.00003.
gnomAD v4.1: 12 of 1,606,502 alleles (0.00075%); highest among the groups gnomAD compares: Middle Eastern, 0.017%; no homozygotes.

Submissions (2):

Labcorp Genetics (formerly Invitae), Labcorp
Classification: Uncertain significance for Joubert syndrome 21. Last evaluated: 2022-04-04. Review status: criteria provided, single submitter. Criteria: Invitae Variant Classification Sherloc (09022015). Collection method: clinical testing. Allele origin: germline.
Comment: This sequence change replaces alanine, which is neutral and non-polar, with threonine, which is neutral and polar, at codon 557 of the CSPP1 protein (p.Ala557Thr). This variant is present in population databases (rs781313362, gnomAD 0.005%). This variant has not been reported in the literature in individuals affected with CSPP1-related conditions. ClinVar contains an entry for this variant (Variation ID: 1311830). Algorithms developed to predict the effect of missense changes on protein structure and function (SIFT, PolyPhen-2, Align-GVGD) all suggest that this variant is likely to be tolerated. In summary, the available evidence is currently insufficient to determine the role of this variant in disease. Therefore, it has been classified as a Variant of Uncertain Significance.

GeneDx
Classification: Uncertain significance. Last evaluated: 2020-01-13. Review status: criteria provided, single submitter. Criteria: GeneDx Variant Classification Process June 2021. Collection method: clinical testing. Allele origin: germline. Affected: yes.
Comment: In silico analysis, which includes protein predictors and evolutionary conservation, supports that this variant does not alter protein structure/function; Has not been previously published as pathogenic or benign to our knowledge